The following is an entry in ClinVar:

NM_152564.5(VPS13B):c.18A>T (p.Val6=)

Gene: VPS13B (vacuolar protein sorting 13 homolog B; plus strand). Cytogenetic location: 8q22.2.
Variant type: single nucleotide variant.
Coding change: c.18A>T on transcript NM_152564.5 (MANE Select); coding-DNA position 18, A replaced by T.
Protein change: p.Val6=; no amino-acid change (valine 6 retained).
Molecular consequence: synonymous variant. On other transcripts: non-coding transcript variant (1).
Genome position (GRCh38, 1-based): chr8:99,013,806, A>T. VCF-style: chr8-99013806-A-T. GRCh37 (hg19) VCF-style: chr8-100026034-A-T.
Other names: c.18A>T, p.Val6= (NM_015243.3, NM_017890.5, NM_181661.3).
Identifiers: ClinVar variation 2013626 (VCV002013626.7), dbSNP rs1490457051, ClinGen allele CA462417946.
Genomic context (GRCh38, chr8:99,013,806, plus strand): 5'-TCTACTCCTTTCAGCTTCCGACTTCGACTCCTTACCTTAAAAGATGCTGGAGTCATATGT[A>T]ACTCCAATTTTAATGAGCTATGTGAATCGCTACATCAAGAACTTAAAGCCGTCGGATCTA-3'
Protein context (NP_689777.3, residues 1-16): MLESY[Val6=]TPILMSYVNR

ClinVar aggregate classification (germline): Likely benign. Review status: criteria provided, multiple submitters, no conflicts (2 of 4 stars). 3 submissions from 3 submitters: Likely benign (2). 1 of the submissions does not count toward it. Last evaluated 2025-02-16.

Conditions:
VPS13B-related disorder. Also called: VPS13B-related condition.
Cohen syndrome (COH1). Also called: PEPPER SYNDROME; Cutis verticis gyrata, retinitis pigmentosa, and sensorineural deafness. Identifiers: Orphanet 193, MedGen C0265223, MONDO:0008999, OMIM 216550.

gnomAD v4.1: 10 of 1,614,108 alleles (0.00062%); highest among the groups gnomAD compares: Non-Finnish European, 0.00068%; no homozygotes.

Submissions (3):

Laboratory of Genetics, Children's Clinical University Hospital Latvia
Classification: Likely benign. Last evaluated: 2025-02-16. Review status: criteria provided, single submitter. Criteria: ACMG Guidelines, 2015. Collection method: clinical testing. Allele origin: germline. Affected: yes.

Labcorp Genetics (formerly Invitae), Labcorp
Classification: Likely benign for Cohen syndrome. Last evaluated: 2022-07-25. Review status: criteria provided, single submitter. Criteria: Invitae Variant Classification Sherloc (09022015). Collection method: clinical testing. Allele origin: germline.

PreventionGenetics, part of Exact Sciences
Classification: Likely benign for VPS13B-related condition. Last evaluated: 2021-09-13. Review status: no assertion criteria provided. Collection method: clinical testing. Allele origin: germline. Not counted in ClinVar's aggregate classification.
Comment: This variant is classified as likely benign based on ACMG/AMP sequence variant interpretation guidelines (Richards et al. 2015 PMID: 25741868, with internal and published modifications).